The following is an entry in ClinVar:

NM_001352514.2(HLCS):c.2140A>T (p.Lys714Ter)

Gene: HLCS (holocarboxylase synthetase; minus strand). Cytogenetic location: 21q22.13.
Variant type: single nucleotide variant.
Coding change: c.2140A>T on transcript NM_001352514.2 (MANE Select); coding-DNA position 2140, A replaced by T.
Protein change: p.Lys714Ter; replaces lysine 714 with a stop codon.
Molecular consequence: nonsense. On other transcripts: non-coding transcript variant (2).
Genome position (GRCh38, 1-based): chr21:36,759,823, T>A on the plus strand (A>T on the coding strand, the complement: HLCS is on the minus strand). VCF-style: chr21-36759823-T-A. GRCh37 (hg19) VCF-style: chr21-38132124-T-A.
Other names: c.1699A>T, p.Lys567Ter (NM_000411.8, NM_001242784.3, NM_001242785.2 and 4 more transcripts); short protein forms K714*, K567*.
Identifiers: ClinVar variation 2228569 (VCV002228569.2), dbSNP rs2516853620, ClinGen allele CA409920132.

ClinVar aggregate classification (germline): Pathogenic (1 of 4 stars; one submission).

Conditions:
Inborn genetic diseases. Identifiers: MedGen C0950123, MeSH D030342.

Submission:

Ambry Genetics
Classification: Pathogenic for Inborn genetic diseases. Last evaluated: 2020-12-21. Review status: criteria provided, single submitter. Criteria: Ambry Variant Classification Scheme 2023. Collection method: clinical testing. Allele origin: germline.
Comment: The c.1699A>T (p.K567*) alteration, located in exon 10 (coding exon 7) of the HLCS gene, consists of a A to T substitution at nucleotide position 1699. This changes the amino acid from a lysine (K) to a stop codon at amino acid position 567. This alteration is expected to result in loss of function by premature protein truncation or nonsense-mediated mRNA decay. Based on the available evidence, this alteration is classified as pathogenic.